The following is an entry in ClinVar:

ClinVar aggregate classification (germline): Likely benign (1 of 4 stars; one submission).

gnomAD v4.1: 77 of 1,549,384 alleles (0.005%); highest among the groups gnomAD compares: East Asian, 0.017%; no homozygotes.

Submission:

CeGaT Center for Human Genetics Tuebingen
Classification: Likely benign. Last evaluated: 2025-12-01. Review status: criteria provided, single submitter. Criteria: CeGaT Center For Human Genetics Tuebingen Variant Classification Criteria Version 2. Collection method: clinical testing. Allele origin: germline. Affected: yes. Observed: 1 variant allele.
Comment: FBRSL1: BP4, BP7

NM_001367871.1(FBRSL1):c.1630-19C>T

Gene: FBRSL1 (fibrosin like 1; plus strand). Cytogenetic location: 12q24.33.
Variant type: single nucleotide variant.
Coding change: c.1630-19C>T on transcript NM_001367871.1 (MANE Select); 19 bases into the intron before coding-DNA position 1630, C replaced by T.
Molecular consequence: intron variant. On other transcripts: synonymous variant (1).
Genome position (GRCh38, 1-based): chr12:132,574,474, C>T. VCF-style: chr12-132574474-C-T. GRCh37 (hg19) VCF-style: chr12-133151060-C-T.
Other names: c.1740C>T, p.Ser580= (NM_001142641.2); c.1684-19C>T (NM_001382739.1); c.1213+3934C>T (NM_001382740.1).
Identifiers: ClinVar variation 4681610 (VCV004681610.5).